The following is an entry in ClinVar:

ClinVar aggregate classification (germline): Conflicting classifications of pathogenicity. Review status: criteria provided, conflicting classifications (1 of 4 stars). 3 submissions from 3 submitters: Uncertain significance (2); Likely benign (1). Last evaluated 2025-08-13.

Conditions:
Inborn genetic diseases. Identifiers: MedGen C0950123, MeSH D030342.
Epilepsy. Also called: Seizure disorder. Identifiers: MedGen C0014544, MeSH D004827, MONDO:0005027.

Allele frequency attached by ClinVar (database versions not stated): gnomAD 0.00002; TOPMed 0.00005; gnomAD exomes 0.00007; ExAC 0.00009.
gnomAD v4.1: 78 of 1,606,684 alleles (0.0049%); highest among the groups gnomAD compares: South Asian, 0.015%; no homozygotes.

Submissions (3):

Ambry Genetics
Classification: Uncertain significance for Inborn genetic diseases. Last evaluated: 2025-08-13. Review status: criteria provided, single submitter. Criteria: Ambry Variant Classification Scheme 2023. Collection method: clinical testing. Allele origin: germline.

Labcorp Genetics (formerly Invitae), Labcorp
Classification: Uncertain significance for Epilepsy. Last evaluated: 2021-09-17. Review status: criteria provided, single submitter. Criteria: Invitae Variant Classification Sherloc (09022015). Collection method: clinical testing. Allele origin: germline.
Comment: This sequence change replaces arginine with glutamine at codon 70 of the PIGQ protein (p.Arg70Gln). The arginine residue is weakly conserved and there is a small physicochemical difference between arginine and glutamine. This variant is present in population databases (rs747901484, ExAC 0.02%). This variant has not been reported in the literature in individuals affected with PIGQ-related conditions. Algorithms developed to predict the effect of missense changes on protein structure and function output the following: SIFT: "Tolerated"; PolyPhen-2: "Benign"; Align-GVGD: "Class C0". The glutamine amino acid residue is found in multiple mammalian species, which suggests that this missense change does not adversely affect protein function. Algorithms developed to predict the effect of sequence changes on RNA splicing suggest that this variant may create or strengthen a splice site. In summary, the available evidence is currently insufficient to determine the role of this variant in disease. Therefore, it has been classified as a Variant of Uncertain Significance.

Blueprint Genetics
Classification: Likely benign. Last evaluated: 2021-09-10. Review status: criteria provided, single submitter. Criteria: ACMG Guidelines, 2015. Collection method: clinical testing. Allele origin: germline.

NM_004204.5(PIGQ):c.209G>A (p.Arg70Gln)

Gene: PIGQ (phosphatidylinositol glycan anchor biosynthesis class Q; plus strand). Cytogenetic location: 16p13.3.
Variant type: single nucleotide variant.
Coding change: c.209G>A on transcript NM_004204.5 (MANE Select); coding-DNA position 209, G replaced by A.
Protein change: p.Arg70Gln; replaces arginine 70 with glutamine.
Molecular consequence: missense variant.
Genome position (GRCh38, 1-based): chr16:574,283, G>A. VCF-style: chr16-574283-G-A. GRCh37 (hg19) VCF-style: chr16-624283-G-A.
Other names: c.209G>A, p.Arg70Gln (NM_148920.4); c.209G>A (NM_148920.1); short protein forms R70Q.
Identifiers: ClinVar variation 1406561 (VCV001406561.7), dbSNP rs747901484, ClinGen allele CA7779807.
Genomic context (GRCh38, chr16:574,283, plus strand): 5'-CCCAGGTGCGGCAGGCCAGCCAGGTGGGCGTGGCCGTGCTGGGCACCTGGTGCCACTGCC[G>A]GCAGGAGCCCGAGGAGAGCCTGGGCCGCTTCCTGGAGAGCCTGGGTGCTGTCTTCCCCCA-3'
Protein context (NP_004195.2, residues 60-80): VAVLGTWCHC[Arg70Gln]QEPEESLGRF